The following is an entry in ClinVar:

NM_005702.4(ERAL1):c.1276G>A (p.Asp426Asn)

Gene: ERAL1 (Era like 12S mitochondrial rRNA chaperone 1; plus strand). Cytogenetic location: 17q11.2.
Variant type: single nucleotide variant.
Coding change: c.1276G>A on transcript NM_005702.4 (MANE Select); coding-DNA position 1276, G replaced by A.
Protein change: p.Asp426Asn; replaces aspartic acid 426 with asparagine.
Molecular consequence: missense variant. On other transcripts: non-coding transcript variant (1).
Genome position (GRCh38, 1-based): chr17:28,860,515, G>A. VCF-style: chr17-28860515-G-A. GRCh37 (hg19) VCF-style: chr17-27187533-G-A.
Other names: c.1276G>A (NM_005702.3); c.1273G>A, p.Asp425Asn (NM_001317985.2); c.1027G>A, p.Asp343Asn (NM_001317986.2); short protein forms D426N, D343N, D425N.
Identifiers: ClinVar variation 4250361 (VCV004250361.2).
Genomic context (GRCh38, chr17:28,860,515, plus strand): 5'-CACGTGATCTCCCAGATAGCACAGGAGGCAGGCCATGACCTCATGGACATCTTCCTCTGC[G>A]ATGTTGACATCCGCCTCTCTGTGAAGCTCCTCAAGTGACCACCCTCTACTGACCCTCCCA-3'
Protein context (NP_005693.1, residues 416-436): GHDLMDIFLC[Asp426Asn]VDIRLSVKLL

ClinVar aggregate classification (germline): Uncertain significance. Review status: criteria provided, multiple submitters, no conflicts (2 of 4 stars). 2 submissions from 2 submitters: Uncertain significance (2). Last evaluated 2026-07-28.

Conditions:
ERAL1-related disorder. Also called: ERAL1-related condition.

Submissions (2):

PreventionGenetics, part of Exact Sciences
Classification: Uncertain significance for ERAL1-related condition. Last evaluated: 2026-07-28. Review status: criteria provided, single submitter. Criteria: ACMG Guidelines, 2015. Collection method: clinical testing. Allele origin: germline.
Comment: The ERAL1 c.1276G>A variant is predicted to result in the amino acid substitution p.Asp426Asn. To our knowledge, this variant has not been reported in the literature. This variant is reported in 0.11% of alleles in individuals of European (Non-Finnish) descent in gnomAD. Although we suspect that this variant may be benign, at this time, the clinical significance of this variant is uncertain due to the absence of conclusive functional and genetic evidence.

Ambry Genetics
Classification: Uncertain significance. Last evaluated: 2025-08-02. Review status: criteria provided, single submitter. Criteria: Ambry Variant Classification Scheme 2023. Collection method: clinical testing. Allele origin: germline.